The following is an entry in ClinVar:

ClinVar aggregate classification (germline): Uncertain significance (1 of 4 stars; one submission).

Allele frequency attached by ClinVar (database versions not stated): TOPMed 0.00001; gnomAD 0.00002.
gnomAD v4.1: 11 of 1,612,102 alleles (0.00068%); highest among the groups gnomAD compares: African/African-American, 0.0013%; no homozygotes.

Submission:

Labcorp Genetics (formerly Invitae), Labcorp
Classification: Uncertain significance. Last evaluated: 2021-08-14. Review status: criteria provided, single submitter. Criteria: Invitae Variant Classification Sherloc (09022015). Collection method: clinical testing. Allele origin: germline.
Comment: This sequence change replaces alanine with serine at codon 563 of the FAM161A protein (p.Ala563Ser). The alanine residue is weakly conserved and there is a moderate physicochemical difference between alanine and serine. This variant is not present in population databases (ExAC no frequency). This variant has not been reported in the literature in individuals affected with FAM161A-related conditions. Algorithms developed to predict the effect of missense changes on protein structure and function are either unavailable or do not agree on the potential impact of this missense change (SIFT: "Deleterious"; PolyPhen-2: "Probably Damaging"; Align-GVGD: "Class C0"). In summary, the available evidence is currently insufficient to determine the role of this variant in disease. Therefore, it has been classified as a Variant of Uncertain Significance.

NM_001201543.2(FAM161A):c.1687G>T (p.Ala563Ser)

Gene: FAM161A (FAM161 centrosomal protein A; minus strand). Cytogenetic location: 2p15.
Variant type: single nucleotide variant.
Coding change: c.1687G>T on transcript NM_001201543.2 (MANE Select); coding-DNA position 1687, G replaced by T.
Protein change: p.Ala563Ser; replaces alanine 563 with serine.
Molecular consequence: missense variant. On other transcripts: intron variant (1).
Genome position (GRCh38, 1-based): chr2:61,838,602, C>A on the plus strand (G>T on the coding strand, the complement: FAM161A is on the minus strand). VCF-style: chr2-61838602-C-A. GRCh37 (hg19) VCF-style: chr2-62065737-C-A.
Other names: c.1583+819G>T (NM_032180.3); short protein forms A563S.
Identifiers: ClinVar variation 1518546 (VCV001518546.5), dbSNP rs1433053458, ClinGen allele CA346985993.